The following is an entry in ClinVar:

ClinVar aggregate classification (germline): Pathogenic. Review status: reviewed by expert panel (3 of 4 stars). 11 submissions from 11 submitters: Pathogenic (1). 10 of the submissions do not count toward it. Last evaluated 2013-09-05.

Conditions:
Hereditary cancer-predisposing syndrome. Also called: Tumor predisposition; Hereditary Cancer Syndrome; Hereditary neoplastic syndrome; Neoplastic Syndromes, Hereditary. Identifiers: Orphanet 140162, MedGen C0027672, MeSH D009386, MONDO:0015356.
Lynch syndrome. Identifiers: Orphanet 144, MedGen C4552100, MONDO:0005835. Disease mechanism: loss of function.
Lynch syndrome 5 (LYNCH5). Also called: Colorectal cancer, hereditary nonpolyposis, type 5; Hereditary non-polyposis colorectal cancer, type 5. Identifiers: Orphanet 144, MedGen C1833477, MONDO:0013710, OMIM 614350. Disease mechanism: loss of function.
Hereditary nonpolyposis colon cancer (HNPCC). Also called: Hereditary nonpolyposis colorectal cancer; Familial nonpolyposis colon cancer; Hereditary Nonpolyposis Colorectal Cancer Syndrome. Identifiers: Orphanet 443909, MedGen C1333990, MONDO:0018630. Disease mechanism: loss of function.
Hereditary nonpolyposis colorectal neoplasms. Identifiers: MedGen C0009405, MeSH D003123.
Endometrial carcinoma. Also called: Endometrial carcinoma, somatic. Identifiers: MedGen C0476089, MONDO:0002447, OMIM 608089, HP:0012114.

Allele frequency attached by ClinVar (database versions not stated): gnomAD exomes below 0.00001; gnomAD 0.00001.
gnomAD v4.1: 2 of 1,614,048 alleles (0.00012%); highest among the groups gnomAD compares: Non-Finnish European, 0.00017%; no homozygotes.

Submissions (11):

International Society for Gastrointestinal Hereditary Tumours (InSiGHT)
Classification: Pathogenic for Lynch Syndrome. Last evaluated: 2013-09-05. Review status: reviewed by expert panel. Criteria: Guidelines v1.9. Collection method: research. Allele origin: germline.
Comment: Coding sequence variation resulting in a stop codon

Classified with v1.9 guidelines

Labcorp Genetics (formerly Invitae), Labcorp
Classification: Pathogenic for Hereditary nonpolyposis colorectal neoplasms. Last evaluated: 2025-11-04. Review status: criteria provided, single submitter. Criteria: Invitae Variant Classification Sherloc (09022015). Collection method: clinical testing. Allele origin: germline. Not counted in ClinVar's aggregate classification.
Comment: This sequence change creates a premature translational stop signal (p.Glu1163*) in the MSH6 gene. It is expected to result in an absent or disrupted protein product. Loss-of-function variants in MSH6 are known to be pathogenic (PMID: 18269114, 24362816). This variant is present in population databases (rs587779267, gnomAD 0.007%). This premature translational stop signal has been observed in individual(s) with colon cancer, ovarian cancer or endometrial cancer (PMID: 25093288, 26437257, 26681312). Invitae Evidence Modeling of clinical and family history, age, sex, and reported ancestry of multiple individuals with this MSH6 variant has been performed. This variant is expected to be pathogenic with a positive predictive value of at least 99%. This is a validated machine learning model that incorporates the clinical features of 1,627,235 individuals referred to our laboratory for MSH6 testing. ClinVar contains an entry for this variant (Variation ID: 89399). RNA analysis performed to evaluate the impact of this premature translational stop signal on mRNA splicing indicates it does not significantly alter splicing (internal data). For these reasons, this variant has been classified as Pathogenic.

Ambry Genetics
Classification: Pathogenic for Hereditary cancer-predisposing syndrome. Last evaluated: 2025-04-28. Review status: criteria provided, single submitter. Criteria: Ambry Variant Classification Scheme 2023. Collection method: clinical testing. Allele origin: germline. Not counted in ClinVar's aggregate classification.
Comment: The p.E1163* pathogenic mutation (also known as c.3487G>T), located in coding exon 6 of the MSH6 gene, results from a G to T substitution at nucleotide position 3487. This changes the amino acid from a glutamic acid to a stop codon within coding exon 6. In addition to the clinical data presented in the literature, this alteration is expected to result in loss of function by premature protein truncation or nonsense-mediated mRNA decay. As such, this alteration is interpreted as a disease-causing mutation.

Women's Health and Genetics/Laboratory Corporation of America, LabCorp
Classification: Pathogenic for Hereditary nonpolyposis colon cancer. Last evaluated: 2025-03-28. Review status: criteria provided, single submitter. Criteria: LabCorp Variant Classification Summary - May 2015. Collection method: clinical testing. Allele origin: germline. Not counted in ClinVar's aggregate classification.
Comment: Variant summary: MSH6 c.3487G>T (p.Glu1163X) results in a premature termination codon, predicted to cause a truncation of the encoded protein or absence of the protein due to nonsense mediated decay, which are commonly known mechanisms for disease. The variant was absent in 251392 control chromosomes. c.3487G>T has been reported in the literature in individuals affected with suspected Lynch Syndrome (Rossi_2017) or ovarian cancer (Susswein_2016). To our knowledge, no experimental evidence demonstrating an impact on protein function has been reported. The following publications have been ascertained in the context of this evaluation (PMID: 28874130, 26681312). ClinVar contains an entry for this variant (Variation ID: 89399). Based on the evidence outlined above, the variant was classified as pathogenic.

Quest Diagnostics Nichols Institute San Juan Capistrano
Classification: Pathogenic. Last evaluated: 2024-05-13. Review status: criteria provided, single submitter. Criteria: Quest Diagnostics criteria. Collection method: clinical testing. Allele origin: unknown. Not counted in ClinVar's aggregate classification.
Comment: The MSH6 c.3487G>T (p.Glu1163*) variant causes the premature termination of MSH6 protein synthesis. This variant has been reported in the published literature in individuals with endometrial cancer (PMID: 25093288 (2014)), colon cancer (PMID: 26437257 (2015)), and ovarian cancer (PMID: 26681312 (2015), 30322717 (2018)). The frequency of this variant in the general population, 0.000032 (1/31402 chromosomes (Genome Aggregation Database)), is consistent with pathogenicity. Based on the available information, this variant is classified as pathogenic.

All of Us Research Program, National Institutes of Health
Classification: Pathogenic for Lynch syndrome. Last evaluated: 2024-02-28. Review status: criteria provided, single submitter. Criteria: ACMG Guidelines, 2015. Collection method: clinical testing. Allele origin: germline. Inheritance: Autosomal dominant inheritance. Observed: 2 variant alleles, 2 heterozygotes. Not counted in ClinVar's aggregate classification.
Comment: This variant changes 1 nucleotide in exon 6 of the MSH6 gene, creating a premature translation stop signal. This variant is expected to result in an absent or non-functional protein product. This variant has been reported in individuals affected with Lynch syndrome associated cancer, including early onset colorectal cancer (PMID: 26437257), endometrial cancer displaying loss of MSH6 protein by immunohistochemistry analysis (PMID: 25093288), and ovarian cancer (PMID: 26681312). The individual affected with ovarian cancer also carried a pathogenic variant in the BARD1 gene (PMID: 26681312). This variant has been identified in 1/31402 chromosomes in the general population by the Genome Aggregation Database (gnomAD). Loss of MSH6 function is a known mechanism of disease. Based on the available evidence, this variant is classified as Pathogenic.

This study involves interpretation of variants in research participants for the purpose of population health screening. Participant phenotype was not available at the time of variant classification. Additional details can be found in publication PMID: 35346344, PMCID: PMC8962531

Myriad Genetics, Inc.
Classification: Pathogenic for Lynch syndrome 5. Last evaluated: 2023-08-24. Review status: criteria provided, single submitter. Criteria: Myriad Autosomal Dominant, Autosomal Recessive and X-Linked Classification Criteria (2023). Collection method: clinical testing. Allele origin: unknown. Not counted in ClinVar's aggregate classification.
Comment: This variant is considered pathogenic. This variant creates a termination codon and is predicted to result in premature protein truncation.

Mayo Clinic Laboratories, Mayo Clinic
Classification: Pathogenic. Last evaluated: 2023-07-31. Review status: criteria provided, single submitter. Criteria: ACMG Guidelines, 2015. Collection method: clinical testing. Allele origin: germline. Not counted in ClinVar's aggregate classification.
Comment: PP4, PP5, PM2_moderate, PVS1

Baylor Genetics
Classification: Pathogenic for Endometrial carcinoma. Last evaluated: 2023-06-14. Review status: criteria provided, single submitter. Criteria: ACMG Guidelines, 2015. Collection method: clinical testing. Allele origin: unknown. Not counted in ClinVar's aggregate classification.

GeneDx
Classification: Pathogenic. Last evaluated: 2022-12-20. Review status: criteria provided, single submitter. Criteria: GeneDx Variant Classification Process June 2021. Collection method: clinical testing. Allele origin: germline. Affected: yes. Not counted in ClinVar's aggregate classification.
Comment: Nonsense variant predicted to result in protein truncation or nonsense mediated decay in a gene for which loss of function is a known mechanism of disease; Not observed at significant frequency in large population cohorts (gnomAD); Truncating variants in this gene are considered pathogenic by a well-established clinical consortium and/or database; This variant is associated with the following publications: (PMID: 30322717, 26437257, 26681312, 30787465, 25093288, 28874130)

Clinical and Functional Genomics Group, A.C.Camargo Cancer Center
Classification: Pathogenic for Lynch syndrome. Last evaluated: 2019-01-30. Review status: criteria provided, single submitter. Criteria: Carneiro da Silva F et al. (PLoS One 2015). Collection method: research. Allele origin: germline. Affected: yes. Observed: 1 variant allele. Not counted in ClinVar's aggregate classification.

Literature cited by the submitters: PubMed 18269114 (cited by Labcorp Genetics (formerly Invitae), Labcorp); PubMed 24362816 (cited by Labcorp Genetics (formerly Invitae), Labcorp); PubMed 25093288 (cited by 5 submitters); PubMed 26437257 (cited by 4 submitters); PubMed 26681312 (cited by 6 submitters); PubMed 28874130 (cited by 3 submitters); PubMed 30322717 (cited by Quest Diagnostics Nichols Institute San Juan Capistrano and Mayo Clinic Laboratories, Mayo Clinic); PubMed 30787465 (cited by Quest Diagnostics Nichols Institute San Juan Capistrano).

NM_000179.3(MSH6):c.3487G>T (p.Glu1163Ter)

Gene: MSH6 (mutS homolog 6; plus strand). Cytogenetic location: 2p16.3.
Variant type: single nucleotide variant.
Coding change: c.3487G>T on transcript NM_000179.3 (MANE Select); coding-DNA position 3487, G replaced by T.
Protein change: p.Glu1163Ter; replaces glutamic acid 1163 with a stop codon.
Molecular consequence: nonsense.
Genome position (GRCh38, 1-based): chr2:47,804,958, G>T. VCF-style: chr2-47804958-G-T. GRCh37 (hg19) VCF-style: chr2-48032097-G-T.
Other names: p.E1163*:GAA>TAA; c.3097G>T, p.Glu1033Ter (NM_001281492.2); c.2581G>T, p.Glu861Ter (NM_001281493.2, NM_001281494.2); short protein forms E1163*, E1033*, E861*.
Identifiers: ClinVar variation 89399 (VCV000089399.32), dbSNP rs587779267, ClinGen allele CA013109.
Genomic context (GRCh38, chr2:47,804,958, plus strand): 5'-CCTCATTCACAGGCTGGCTTATTAGCTGTAATGGCCCAGATGGGTTGTTACGTCCCTGCT[G>T]AAGTGTGCAGGCTCACACCAATTGATAGAGTGTTTACTAGACTTGGTGCCTCAGACAGAA-3'